The following is an entry in ClinVar:

NM_006096.4(NDRG1):c.339C>T (p.Pro113=)

Gene: NDRG1 (N-myc downstream regulated 1; minus strand). Cytogenetic location: 8q24.22.
Variant type: single nucleotide variant.
Coding change: c.339C>T on transcript NM_006096.4 (MANE Select); coding-DNA position 339, C replaced by T.
Protein change: p.Pro113=; no amino-acid change (proline 113 retained).
Molecular consequence: synonymous variant.
Genome position (GRCh38, 1-based): chr8:133,259,218, G>A on the plus strand (C>T on the coding strand, the complement: NDRG1 is on the minus strand). VCF-style: chr8-133259218-G-A. GRCh37 (hg19) VCF-style: chr8-134271461-G-A.
Other names: c.339C>T, p.Pro113= (NM_001135242.2, NM_001374844.1, NM_001374845.1 and 1 more transcripts); c.141C>T, p.Pro47= (NM_001258432.2, NM_001374847.1); c.96C>T, p.Pro32= (NM_001258433.2); c.339C>T (NM_006096.3).
Identifiers: ClinVar variation 1097296 (VCV001097296.10), dbSNP rs1724822357, ClinGen allele CA463020861.

ClinVar aggregate classification (germline): Likely benign. Review status: criteria provided, multiple submitters, no conflicts (2 of 4 stars). 2 submissions from 2 submitters: Likely benign (2). Last evaluated 2026-04-14.

Conditions:
Charcot-Marie-Tooth disease type 4. Also called: Charcot-Marie-Tooth, Type 4; Charcot-Marie-Tooth disease, type IV. Identifiers: Orphanet 64749, MedGen C4082197, MONDO:0018995.
NDRG1-related disorder. Also called: NDRG1-related condition.

Allele frequency attached by ClinVar (database versions not stated): gnomAD exomes below 0.00001; TOPMed below 0.00001.

Submissions (2):

PreventionGenetics, part of Exact Sciences
Classification: Likely benign for NDRG1-related condition. Last evaluated: 2026-04-14. Review status: criteria provided, single submitter. Criteria: ACMG Guidelines, 2015. Collection method: clinical testing. Allele origin: germline.
Comment: This variant is classified as likely benign based on ACMG/AMP sequence variant interpretation guidelines (Richards et al. 2015 PMID: 25741868, with internal and published modifications).

Labcorp Genetics (formerly Invitae), Labcorp
Classification: Likely benign for Charcot-Marie-Tooth disease type 4. Last evaluated: 2024-03-20. Review status: criteria provided, single submitter. Criteria: Invitae Variant Classification Sherloc (09022015). Collection method: clinical testing. Allele origin: germline.